The following is an entry in ClinVar:

NM_001165963.4(SCN1A):c.3760T>C (p.Tyr1254His)

Genes: SCN1A (sodium voltage-gated channel alpha subunit 1; minus strand), LOC102724058 (uncharacterized LOC102724058; plus strand). Cytogenetic location: 2q24.3.
Variant type: single nucleotide variant.
Coding change: c.3760T>C on transcript NM_001165963.4 (MANE Select); coding-DNA position 3760, T replaced by C.
Protein change: p.Tyr1254His; replaces tyrosine 1254 with histidine.
Molecular consequence: missense variant. On other transcripts: non-coding transcript variant (1).
Genome position (GRCh38, 1-based): chr2:166,012,228, A>G on the plus strand (T>C on the coding strand, the complement: SCN1A is on the minus strand). VCF-style: chr2-166012228-A-G. GRCh37 (hg19) VCF-style: chr2-166868738-A-G.
Other names: c.3676T>C, p.Tyr1226His (NM_001165964.3, NM_001353957.2, NM_001353958.2); c.3760T>C, p.Tyr1254His (NM_001202435.3, NM_001353948.2); c.3727T>C, p.Tyr1243His (NM_001353949.2, NM_001353950.2, NM_001353951.2 and 2 more transcripts); c.3724T>C, p.Tyr1242His (NM_001353954.2, NM_001353955.2); c.3673T>C, p.Tyr1225His (NM_001353960.2); c.1318T>C, p.Tyr440His (NM_001353961.2); short protein forms Y1225H, Y1226H, Y1242H, Y1243H, Y1254H, Y440H.
Identifiers: ClinVar variation 1008936 (VCV001008936.9), dbSNP rs1475198821, ClinGen allele CA349054468.
Genomic context (GRCh38, chr2:166,012,228, plus strand): 5'-ATGCCACCCATTTTAGAAGCATTTCCAGAATGAAAATGTAAGTGAAAACCTTGTCAGCAT[A>G]TTCCAACATCGTCTTAATCGTCTTTCGCTGATCAATATATATATCTTCAAATGCCTATAA-3'
Protein context (NP_001159435.1, residues 1244-1264): QRKTIKTMLE[Tyr1254His]ADKVFTYIFI

ClinVar aggregate classification (germline): Uncertain significance (1 of 4 stars; one submission).

Conditions:
Early-infantile DEE. Also called: Ohtahara syndrome; Early infantile epileptic encephalopathy with suppression bursts; Early infantile epileptic encephalopathy. Identifiers: Orphanet 1934, MedGen C0393706, MONDO:0800491.

Allele frequency attached by ClinVar (database versions not stated): gnomAD exomes below 0.00001 and 0.00001; gnomAD 0.00001; TOPMed 0.00001.
gnomAD v4.1: 10 of 1,610,204 alleles (0.00062%); highest among the groups gnomAD compares: Non-Finnish European, 0.00085%; no homozygotes.

Submission:

Labcorp Genetics (formerly Invitae), Labcorp
Classification: Uncertain significance for Early-infantile DEE. Last evaluated: 2024-03-21. Review status: criteria provided, single submitter. Criteria: Invitae Variant Classification Sherloc (09022015). Collection method: clinical testing. Allele origin: germline.
Comment: This sequence change replaces tyrosine, which is neutral and polar, with histidine, which is basic and polar, at codon 1254 of the SCN1A protein (p.Tyr1254His). This variant is present in population databases (no rsID available, gnomAD 0.0009%). This variant has not been reported in the literature in individuals affected with SCN1A-related conditions. ClinVar contains an entry for this variant (Variation ID: 1008936). Advanced modeling of protein sequence and biophysical properties (such as structural, functional, and spatial information, amino acid conservation, physicochemical variation, residue mobility, and thermodynamic stability) performed at Invitae indicates that this missense variant is expected to disrupt SCN1A protein function with a positive predictive value of 95%. In summary, the available evidence is currently insufficient to determine the role of this variant in disease. Therefore, it has been classified as a Variant of Uncertain Significance.